The following is an entry in ClinVar:

ClinVar aggregate classification (germline): Likely pathogenic (1 of 4 stars; one submission).

Submission:

GeneDx
Classification: Likely pathogenic. Last evaluated: 2016-03-10. Review status: criteria provided, single submitter. Criteria: GeneDx Variant Classification (06012015). Collection method: clinical testing. Allele origin: germline. Affected: yes.
Comment: The N116S variant in the ACTG2 gene has not been reported previously as a pathogenic variant, nor as a benign variant, to our knowledge. This variant was not observed in approximately 6500 individuals of European and African American ancestry in the NHLBI Exome Sequencing Project, indicating it is not a common benign variant in these populations. The N116S variant is a conservative amino acid substitution, which is not likely to impact secondary protein structure as these residues share similar properties; however, this substitution occurs at a position that is conserved across species. In silico analysis is inconsistent in its predictions as to whether or not the variant is damaging to the protein structure/function. The N116S variant is a strong candidate for a pathogenic variant.

NM_001615.4(ACTG2):c.347A>G (p.Asn116Ser)

Gene: ACTG2 (actin gamma 2, smooth muscle; plus strand). Cytogenetic location: 2p13.1.
Variant type: single nucleotide variant.
Coding change: c.347A>G on transcript NM_001615.4 (MANE Select); coding-DNA position 347, A replaced by G.
Protein change: p.Asn116Ser; replaces asparagine 116 with serine.
Molecular consequence: missense variant.
Genome position (GRCh38, 1-based): chr2:73,908,764, A>G. VCF-style: chr2-73908764-A-G. GRCh37 (hg19) VCF-style: chr2-74135891-A-G.
Other names: c.218A>G, p.Asn73Ser (NM_001199893.2); short protein forms N116S, N73S.
Identifiers: ClinVar variation 384793 (VCV000384793.2), dbSNP rs1057522054, ClinGen allele CA16604401.